The following is an entry in ClinVar:

NM_007294.4(BRCA1):c.134+3_134+6del

Gene: BRCA1 (BRCA1 DNA repair associated; minus strand). Cytogenetic location: 17q21.31.
Variant type: Microsatellite.
Coding change: c.134+3_134+6del on transcript NM_007294.4 (MANE Select); bases 3 to 6 of the intron after coding-DNA position 134, 4 bases deleted (AAGT; older notation c.134+3_134+6delAAGT).
Molecular consequence: splice donor variant. On other transcripts: intron variant (42).
Genome position (GRCh38, 1-based): chr17:43,115,720-43,115,723, ACTT deleted on the plus strand (AAGT on the coding strand, the reverse complement: BRCA1 is on the minus strand); deleting any 4 consecutive bases within chr17:43,115,720-43,115,727 gives the same sequence; the c. name uses the placement nearest the transcript's 3' end. VCF-style (leftmost placement, unchanged base first): chr17-43115719-AACTT-A. GRCh37 (hg19) VCF-style: chr17-41267736-AACTT-A.
Other names: c.134+3_134+6delAAGT (NM_007294.3); c.-8+3_-8+6del (NM_001408469.1, NM_001408453.1, NM_001407737.1 and 47 more transcripts); c.-124+3_-124+6del (NM_001407746.1, NM_001408468.1, NM_001407842.1 and 13 more transcripts); c.-8+8294_-8+8297del (NM_001408461.1, NM_001407738.1, NM_001407932.1 and 23 more transcripts); c.-55+3_-55+6del (NM_001407886.1, NM_001408509.1, NM_001408508.1 and 52 more transcripts); c.134+3_134+6del (NM_001407686.1, NM_001408397.1, NM_001407632.1 and 191 more transcripts); c.80+8294_80+8297del (NM_001408451.1); c.-55+8294_-55+8297del (NM_001407898.1, NM_001407881.1, NM_001407902.1); and 11 more.
Identifiers: ClinVar variation 54213 (VCV000054213.7), dbSNP rs397508858, ClinGen allele CA000884.

ClinVar aggregate classification (germline): Pathogenic/Likely pathogenic. Review status: criteria provided, multiple submitters, no conflicts (2 of 4 stars). 2 submissions from 2 submitters: Pathogenic (1); Likely pathogenic (1). Last evaluated 2019-11-05.

Conditions:
Hereditary cancer-predisposing syndrome. Also called: Tumor predisposition; Neoplastic Syndromes, Hereditary; Hereditary Cancer Syndrome; Hereditary neoplastic syndrome. Identifiers: Orphanet 140162, MedGen C0027672, MeSH D009386, MONDO:0015356.
Breast-ovarian cancer, familial, susceptibility to, 1 (BROVCA1). Also called: OVARIAN CANCER, SUSCEPTIBILITY TO; BRCA1 Hereditary Breast and Ovarian Cancer. Identifiers: Orphanet 145, MedGen C2676676, MONDO:0011450, OMIM 604370. Disease mechanism: loss of function.

Submissions (2):

Ambry Genetics
Classification: Likely pathogenic for Hereditary cancer-predisposing syndrome. Last evaluated: 2019-11-05. Review status: criteria provided, single submitter. Criteria: Ambry Variant Classification Scheme 2023. Collection method: clinical testing. Allele origin: germline.
Comment: The c.134+3_134+6delAAGT intronic variant, located in intron 2 of the BRCA1 gene, results from a deletion of 4 nucleotides within intron 2 of the BRCA1 gene. These nucleotide positions are well conserved in available vertebrate species. This variant was identified in multiple Italian breast/ovarian cancer families (Azzollini J et al. Eur. J. Intern. Med. 2016 Jul;32:65-71). In addition, functional analyses demonstrated that this alteration results in abnormal splicing and skipping of exon 3 (coding exon 2) (Caligo MA et al. Oncogene. 1996 Oct;13(7):1483-8.; Colombo M et al. PLoS ONE, 2013 Feb;8:e57173). Based on the majority of available evidence to date, this variant is likely to be pathogenic.

Consortium of Investigators of Modifiers of BRCA1/2 (CIMBA), c/o University of Cambridge
Classification: Pathogenic for Breast-ovarian cancer, familial, susceptibility to, 1. Last evaluated: 2015-10-02. Review status: criteria provided, single submitter. Criteria: CIMBA Mutation Classification guidelines May 2016. Collection method: clinical testing. Allele origin: germline.

Literature cited by the submitters: PubMed 23451180 (cited by Ambry Genetics); PubMed 27062684 (cited by Ambry Genetics); PubMed 8875986 (cited by Ambry Genetics).